The following is an entry in ClinVar:

NM_018714.3(COG1):c.850C>T (p.Pro284Ser)

Gene: COG1 (component of oligomeric golgi complex 1; plus strand). Cytogenetic location: 17q25.1.
Variant type: single nucleotide variant.
Coding change: c.850C>T on transcript NM_018714.3 (MANE Select); coding-DNA position 850, C replaced by T.
Protein change: p.Pro284Ser; replaces proline 284 with serine.
Molecular consequence: missense variant.
Genome position (GRCh38, 1-based): chr17:73,197,333, C>T. VCF-style: chr17-73197333-C-T. GRCh37 (hg19) VCF-style: chr17-71193472-C-T.
Other names: short protein forms P284S.
Identifiers: ClinVar variation 2104166 (VCV002104166.4), dbSNP rs2511078821, ClinGen allele CA400886150.

ClinVar aggregate classification (germline): Uncertain significance (1 of 4 stars; one submission).

Conditions:
COG1 congenital disorder of glycosylation (CDG2G). Also called: CONGENITAL DISORDER OF GLYCOSYLATION, TYPE IIg; CDG IIg; CDGII/COG1 CEREBROCOSTOMANDIBULAR-LIKE SYNDROME. Identifiers: Orphanet 263508, MedGen C2931011, MONDO:0012637, OMIM 611209.

Submission:

Labcorp Genetics (formerly Invitae), Labcorp
Classification: Uncertain significance for COG1 congenital disorder of glycosylation. Last evaluated: 2022-09-19. Review status: criteria provided, single submitter. Criteria: Invitae Variant Classification Sherloc (09022015). Collection method: clinical testing. Allele origin: germline.
Comment: In summary, the available evidence is currently insufficient to determine the role of this variant in disease. Therefore, it has been classified as a Variant of Uncertain Significance. Algorithms developed to predict the effect of missense changes on protein structure and function (SIFT, PolyPhen-2, Align-GVGD) all suggest that this variant is likely to be tolerated. This variant has not been reported in the literature in individuals affected with COG1-related conditions. This variant is not present in population databases (gnomAD no frequency). This sequence change replaces proline, which is neutral and non-polar, with serine, which is neutral and polar, at codon 284 of the COG1 protein (p.Pro284Ser).